The following is an entry in ClinVar:

NM_001127649.3(PEX26):c.716T>C (p.Leu239Pro)

Gene: PEX26 (peroxisomal biogenesis factor 26; plus strand). Cytogenetic location: 22q11.21.
Variant type: single nucleotide variant.
Coding change: c.716T>C on transcript NM_001127649.3 (MANE Select); coding-DNA position 716, T replaced by C.
Protein change: p.Leu239Pro; replaces leucine 239 with proline.
Molecular consequence: missense variant. On other transcripts: intron variant (1).
Genome position (GRCh38, 1-based): chr22:18,085,160, T>C. VCF-style: chr22-18085160-T-C. GRCh37 (hg19) VCF-style: chr22-18567926-T-C.
Other names: c.716T>C, p.Leu239Pro (NM_017929.6); c.667+1428T>C (NM_001199319.2); short protein forms L239P.
Identifiers: ClinVar variation 498392 (VCV000498392.19), dbSNP rs757411841, ClinGen allele CA10093400.
Genomic context (GRCh38, chr22:18,085,160, plus strand): 5'-CTCCCTGGCCAGGCTCTGTCTCCCACAAGTTCCTGTCACTACCGATGTTGGTTCGCCAGC[T>C]TTGGGACTCTGCGGTGAGCCACTTCTTTTCTCTGCCCTTCAAAAAGAGTCTCCTGGCTGC-3'
Protein context (NP_001121121.1, residues 229-249): FLSLPMLVRQ[Leu239Pro]WDSAVSHFFS

ClinVar aggregate classification (germline): Uncertain significance. Review status: criteria provided, multiple submitters, no conflicts (2 of 4 stars). 8 submissions from 8 submitters: Uncertain significance (7). 1 of the submissions does not count toward it. Last evaluated 2025-03-31.

Conditions:
PEX26-related disorder. Also called: PEX26-related condition.
Peroxisome biogenesis disorder 7A (Zellweger). Also called: Peroxisome biogenesis disorder 7A. Identifiers: Orphanet 912, MedGen C3888385, MONDO:0013938, OMIM 614872.
Peroxisome biogenesis disorder 7B (PBD7B). Identifiers: Orphanet 44, MedGen C3553951, MONDO:0013939, OMIM 614873.
Inborn genetic diseases. Identifiers: MedGen C0950123, MeSH D030342.

Allele frequency attached by ClinVar (database versions not stated): ExAC 0.00001; gnomAD exomes 0.00001; gnomAD 0.00016 and 0.00018; TOPMed 0.00033.

Submissions (8):

Dasa
Classification: Uncertain significance. Last evaluated: 2025-03-31. Review status: criteria provided, single submitter. Criteria: DASA Assertion Criteria. Collection method: clinical testing. Allele origin: germline.
Comment: NM_001127649.3(PEX26):c.716T>C (p.Leu239Pro) is a missense variant that results in the substitution of leucine with proline. This variant has been observed in affected individuals with PEX26-related disorders. Also, this variant is rare in population databases. Computational prediction algorithms are consistent with a deleterious effect. The currently available literature and clinical evidence are not sufficient to establish a definitive association between this variant and the reported condition. Therefore, this variant is classified as a variant of uncertain significance.

Ambry Genetics
Classification: Uncertain significance for Inborn genetic diseases. Last evaluated: 2025-02-21. Review status: criteria provided, single submitter. Criteria: Ambry Variant Classification Scheme 2023. Collection method: clinical testing. Allele origin: germline.

Labcorp Genetics (formerly Invitae), Labcorp
Classification: Uncertain significance for Peroxisome biogenesis disorder 7A (Zellweger); Peroxisome biogenesis disorder 7B. Last evaluated: 2025-02-03. Review status: criteria provided, single submitter. Criteria: Invitae Variant Classification Sherloc (09022015). Collection method: clinical testing. Allele origin: germline.
Comment: This sequence change replaces leucine, which is neutral and non-polar, with proline, which is neutral and non-polar, at codon 239 of the PEX26 protein (p.Leu239Pro). This variant is present in population databases (rs757411841, gnomAD 0.009%). This variant has not been reported in the literature in individuals affected with PEX26-related conditions. ClinVar contains an entry for this variant (Variation ID: 498392). Invitae Evidence Modeling of protein sequence and biophysical properties (such as structural, functional, and spatial information, amino acid conservation, physicochemical variation, residue mobility, and thermodynamic stability) has been performed for this missense variant. However, the output from this modeling did not meet the statistical confidence thresholds required to predict the impact of this variant on PEX26 protein function. In summary, the available evidence is currently insufficient to determine the role of this variant in disease. Therefore, it has been classified as a Variant of Uncertain Significance.

GeneDx
Classification: Uncertain significance. Last evaluated: 2024-10-24. Review status: criteria provided, single submitter. Criteria: GeneDx Variant Classification Process June 2021. Collection method: clinical testing. Allele origin: germline. Affected: yes.
Comment: Not observed at significant frequency in large population cohorts (gnomAD); In silico analysis supports that this missense variant has a deleterious effect on protein structure/function; Has not been previously published as pathogenic or benign to our knowledge

Blueprint Genetics
Classification: Uncertain significance. Last evaluated: 2021-09-17. Review status: criteria provided, single submitter. Criteria: ACMG Guidelines, 2015. Collection method: clinical testing. Allele origin: germline.

Fulgent Genetics
Classification: Uncertain significance for Peroxisome biogenesis disorder 7A (Zellweger); Peroxisome biogenesis disorder 7B. Last evaluated: 2021-09-02. Review status: criteria provided, single submitter. Criteria: ACMG Guidelines, 2015. Collection method: clinical testing. Allele origin: unknown.

Eurofins Ntd Llc (ga)
Classification: Uncertain significance. Last evaluated: 2016-11-01. Review status: criteria provided, single submitter. Criteria: EGL Classification Definitions 2015. Collection method: clinical testing. Allele origin: germline. Observed: 1 variant allele, 1 heterozygote.

PreventionGenetics, part of Exact Sciences
Classification: Uncertain significance for PEX26-related condition. Last evaluated: 2024-09-03. Review status: no assertion criteria provided. Collection method: clinical testing. Allele origin: germline. Not counted in ClinVar's aggregate classification.
Comment: The PEX26 c.716T>C variant is predicted to result in the amino acid substitution p.Leu239Pro. To our knowledge, this variant has not been reported in the literature. This variant is reported in 0.0085% of alleles in individuals of Latino descent in gnomAD. At this time, the clinical significance of this variant is uncertain due to the absence of conclusive functional and genetic evidence.